The following is an entry in ClinVar:

NM_001367721.1(CASK):c.763C>T (p.Arg255Cys)

Gene: CASK (calcium/calmodulin dependent serine protein kinase; minus strand). Cytogenetic location: Xp11.4.
Variant type: single nucleotide variant.
Coding change: c.763C>T on transcript NM_001367721.1 (MANE Select); coding-DNA position 763, C replaced by T.
Protein change: p.Arg255Cys; replaces arginine 255 with cysteine.
Molecular consequence: missense variant.
Genome position (GRCh38, 1-based): chrX:41,660,507, G>A on the plus strand (C>T on the coding strand, the complement: CASK is on the minus strand). VCF-style: chrX-41660507-G-A. GRCh37 (hg19) VCF-style: chrX-41519760-G-A.
Other names: c.763C>T, p.Arg255Cys (NM_001126054.3, NM_001126055.3, NM_001410745.1 and 1 more transcripts); short protein forms R255C.
Identifiers: ClinVar variation 421141 (VCV000421141.7), dbSNP rs1064794937, ClinGen allele CA16621405.

ClinVar aggregate classification (germline): Pathogenic/Likely pathogenic. Review status: criteria provided, multiple submitters, no conflicts (2 of 4 stars). 3 submissions from 3 submitters: Pathogenic (2); Likely pathogenic (1). Last evaluated 2025-08-21.

Conditions:
X-linked syndromic intellectual disability. Also called: X-linked mental retardation, syndromic; Intellectual developmental disorder, X-linked syndromic. Identifiers: MedGen CN228426, MONDO:0020119.
Syndromic X-linked intellectual disability Najm type (MICPCH). Also called: MICPCH SYNDROME; Intellectual developmental disorder and microcephaly with pontine and cerebellar hypoplasia; Mental retardation and microcephaly with pontine and cerebellar hypoplasia; Intellectual Disability and Microcephaly with Pontine and Cerebellar Hypoplasia (MICPCH); Intellectual Disability and Microcephaly with Pontine and Cerebellar Hypoplasia; MENTAL RETARDATION, X-LINKED, SYNDROMIC, NAJM TYPE. Identifiers: Orphanet 163937, MedGen C2677903, MONDO:0010417, OMIM 300749.

Submissions (3):

3billion
Classification: Pathogenic for Syndromic X-linked intellectual disability Najm type. Last evaluated: 2025-08-21. Review status: criteria provided, single submitter. Criteria: ACMG Guidelines, 2015. Collection method: clinical testing. Allele origin: germline. Affected: yes.
Comment: The variant is not observed in the gnomAD v4.1.0 dataset. Predicted Consequence/Location: Missense variant In silico tool predictions suggest damaging effect of the variant on gene or gene product [REVEL: 0.60 (>=0.6, sensitivity 0.68 and specificity 0.92); 3Cnet: 0.90 (> 0.75, sensitivity 0.96 and precision 0.92)]. The same nucleotide change resulting in the same amino acid change has been previously reported to be associated with CASK-related disorder (ClinVar ID: VCV000421141 /PMID: 28944139). The variant has been previously reported as de novo in a similarly affected individual (PMID: 25533962). A different missense change at the same codon (p.Arg255His) has been reported as pathogenic/likely pathogenic with strong evidence (ClinVar ID: VCV000158084 /PMID: 35550617 /3billion dataset). Therefore, this variant is classified as Pathogenic according to the recommendation of ACMG/AMP guideline.

Dasa
Classification: Likely pathogenic for X-linked syndromic intellectual disability. Last evaluated: 2025-06-14. Review status: criteria provided, single submitter. Criteria: DASA Assertion Criteria. Collection method: clinical testing. Allele origin: germline.
Comment: NM_001367721.1(CASK):c.763C>T (p.Arg255Cys) is a missense variant that results in the substitution of arginine with cysteine. The affected residue or protein region has prior evidence supporting clinical relevance. This variant has been reported in individuals with CASK-related disorders (PMID: 28944139). This variant has been reported as a de novo occurrence in an affected individual (PMID: 28944139; PMID: 25533962). Also, this variant is absent from population databases. Based on the currently available evidence, this variant is classified as likely pathogenic.

GeneDx
Classification: Pathogenic. Last evaluated: 2022-05-18. Review status: criteria provided, single submitter. Criteria: GeneDx Variant Classification Process June 2021. Collection method: clinical testing. Allele origin: germline. Affected: yes.
Comment: In silico analysis supports that this missense variant has a deleterious effect on protein structure/function; This variant is associated with the following publications: (PMID: 28944139, 28135719, 28191890, 25533962, 33504798, 31785789)

Literature cited by the submitters: PubMed 35550617 (cited by 3billion); PubMed 28944139 (cited by 3billion and Dasa); PubMed 25533962 (cited by 3billion and Dasa).